The following is an entry in ClinVar:

NM_001457.4(FLNB):c.6863G>A (p.Arg2288His)

Gene: FLNB (filamin B; plus strand). Cytogenetic location: 3p14.3.
Variant type: single nucleotide variant.
Coding change: c.6863G>A on transcript NM_001457.4 (MANE Select); coding-DNA position 6863, G replaced by A.
Protein change: p.Arg2288His; replaces arginine 2288 with histidine.
Molecular consequence: missense variant.
Genome position (GRCh38, 1-based): chr3:58,156,050, G>A. VCF-style: chr3-58156050-G-A. GRCh37 (hg19) VCF-style: chr3-58141777-G-A.
Other names: c.6956G>A, p.Arg2319His (NM_001164317.2); c.6830G>A, p.Arg2277His (NM_001164318.2); c.6791G>A, p.Arg2264His (NM_001164319.2); short protein forms R2264H, R2277H, R2288H, R2319H.
Identifiers: ClinVar variation 1310803 (VCV001310803.3), dbSNP rs775239285, ClinGen allele CA2469517.

ClinVar aggregate classification (germline): Uncertain significance. Review status: criteria provided, multiple submitters, no conflicts (2 of 4 stars). 2 submissions from 2 submitters: Uncertain significance (2). Last evaluated 2025-06-29.

Conditions:
Inborn genetic diseases. Identifiers: MedGen C0950123, MeSH D030342.

Allele frequency attached by ClinVar (database versions not stated): gnomAD 0.00001; gnomAD exomes 0.00001; TOPMed 0.00001; ExAC 0.00002.
gnomAD v4.1: 18 of 1,613,764 alleles (0.0011%); highest among the groups gnomAD compares: African/African-American, 0.0013%; no homozygotes.

Submissions (2):

Ambry Genetics
Classification: Uncertain significance for Inborn genetic diseases. Last evaluated: 2025-06-29. Review status: criteria provided, single submitter. Criteria: Ambry Variant Classification Scheme 2023. Collection method: clinical testing. Allele origin: germline.

GeneDx
Classification: Uncertain significance. Last evaluated: 2019-11-29. Review status: criteria provided, single submitter. Criteria: GeneDx Variant Classification Process June 2021. Collection method: clinical testing. Allele origin: germline. Affected: yes.
Comment: In silico analysis, which includes protein predictors and evolutionary conservation, supports a deleterious effect; Has not been previously published as pathogenic or benign to our knowledge